The following is an entry in ClinVar:

ClinVar aggregate classification (germline): Uncertain significance (1 of 4 stars; one submission).

Submission:

Women's Health and Genetics/Laboratory Corporation of America, LabCorp
Classification: Uncertain significance. Last evaluated: 2024-05-21. Review status: criteria provided, single submitter. Criteria: LabCorp Variant Classification Summary - May 2015. Collection method: clinical testing. Allele origin: germline.
Comment: Variant summary: MYCN c.791-7C>A alters a nucleotide located close to a canonical splice site and therefore could affect mRNA splicing, leading to a significantly altered protein sequence. Consensus agreement among computation tools predict no significant impact on normal splicing. However, these predictions have yet to be confirmed by functional studies. The variant was absent in 220346 control chromosomes (gnomAD). The available data on variant occurrences in the general population are insufficient to allow any conclusion about variant significance. To our knowledge, no occurrence of c.791-7C>A in individuals affected with Feingold Syndrome Type 1 and no experimental evidence demonstrating its impact on protein function have been reported. No submitters have cited clinical-significance assessments for this variant to ClinVar. Based on the evidence outlined above, the variant was classified as uncertain significance.

NM_005378.6(MYCN):c.791-7C>A

Gene: MYCN (MYCN proto-oncogene, bHLH transcription factor; plus strand). Cytogenetic location: 2p24.3.
Variant type: single nucleotide variant.
Coding change: c.791-7C>A on transcript NM_005378.6 (MANE Select); 7 bases into the intron before coding-DNA position 791, C replaced by A.
Molecular consequence: intron variant.
Genome position (GRCh38, 1-based): chr2:15,945,486, C>A. VCF-style: chr2-15945486-C-A. GRCh37 (hg19) VCF-style: chr2-16085608-C-A.
Other names: c.791-7C>A (NM_001293228.2); c.*726-7C>A (NM_001293233.2); c.158-7C>A (NM_001293231.2).
Identifiers: ClinVar variation 3336456 (VCV003336456.1).